The following is an entry in ClinVar:

ClinVar aggregate classification (germline): Conflicting classifications of pathogenicity. Review status: criteria provided, conflicting classifications (1 of 4 stars). 2 submissions from 2 submitters: Uncertain significance (1); Likely benign (1). Last evaluated 2023-03-23.

Conditions:
Hereditary cancer-predisposing syndrome. Also called: Neoplastic Syndromes, Hereditary; Tumor predisposition; Hereditary Cancer Syndrome; Hereditary neoplastic syndrome. Identifiers: Orphanet 140162, MedGen C0027672, MeSH D009386, MONDO:0015356.

Submissions (2):

University of Washington Department of Laboratory Medicine, University of Washington
Classification: Likely benign for Hereditary cancer-predisposing syndrome. Last evaluated: 2023-03-23. Review status: criteria provided, single submitter. Criteria: Dines et al. (Genet Med. 2020). Collection method: curation. Allele origin: germline.
Comment: Missense variant in a coldspot region where missense variants are very unlikely to be pathogenic (PMID:31911673).

BRCA1 coldspot (exon 11 using historical exon numbering). Reclassification based on statistical prior probability

Ambry Genetics
Classification: Uncertain significance for Hereditary cancer-predisposing syndrome. Last evaluated: 2017-03-06. Review status: criteria provided, single submitter. Criteria: Ambry Variant Classification Scheme 2023. Collection method: clinical testing. Allele origin: germline.
Comment: The p.I429R variant (also known as c.1286T>G), located in coding exon 9 of the BRCA1 gene, results from a T to G substitution at nucleotide position 1286. The isoleucine at codon 429 is replaced by arginine, an amino acid with similar properties. This amino acid position is not well conserved in available vertebrate species. In addition, the in silico prediction for this alteration is inconclusive. Since supporting evidence is limited at this time, the clinical significance of this alteration remains unclear.

NM_007294.4(BRCA1):c.1286T>G (p.Ile429Arg)

Gene: BRCA1 (BRCA1 DNA repair associated; minus strand). Cytogenetic location: 17q21.31.
Variant type: single nucleotide variant.
Coding change: c.1286T>G on transcript NM_007294.4 (MANE Select); coding-DNA position 1286, T replaced by G.
Protein change: p.Ile429Arg; replaces isoleucine 429 with arginine.
Molecular consequence: missense variant. On other transcripts: intron variant (137).
Genome position (GRCh38, 1-based): chr17:43,094,245, A>C on the plus strand (T>G on the coding strand, the complement: BRCA1 is on the minus strand). VCF-style: chr17-43094245-A-C. GRCh37 (hg19) VCF-style: chr17-41246262-A-C.
Other names: c.1277T>G, p.Ile426Arg (NM_001407646.1, NM_001407647.1); c.1163T>G, p.Ile388Arg (NM_001407648.1, NM_001407664.1, NM_001407665.1 and 19 more transcripts); c.1160T>G, p.Ile387Arg (NM_001407649.1, NM_001407670.1, NM_001407671.1 and 11 more transcripts); c.1286T>G, p.Ile429Arg (NM_001407652.1, NM_001407684.1, NM_001407854.1 and 30 more transcripts); c.1208T>G, p.Ile403Arg (NM_001407653.1, NM_001407654.1, NM_001407655.1 and 4 more transcripts); c.1205T>G, p.Ile402Arg (NM_001407659.1, NM_001407660.1, NM_001407661.1 and 1 more transcripts); c.1145T>G, p.Ile382Arg (NM_001407692.1, NM_001407694.1, NM_001407695.1 and 29 more transcripts); c.1142T>G, p.Ile381Arg (NM_001407740.1, NM_001407741.1, NM_001407742.1 and 20 more transcripts); and 40 more; short protein forms I429R, I382R, I302R, I340R, I341R, I381R, I387R, I261R.
Identifiers: ClinVar variation 482937 (VCV000482937.8), dbSNP rs775869160, ClinGen allele CA10599482.